The following is an entry in ClinVar:

NM_152296.5(ATP1A3):c.2629C>T (p.Arg877Trp)

Gene: ATP1A3 (ATPase Na+/K+ transporting subunit alpha 3; minus strand). Cytogenetic location: 19q13.2.
Variant type: single nucleotide variant.
Coding change: c.2629C>T on transcript NM_152296.5 (MANE Select); coding-DNA position 2629, C replaced by T.
Protein change: p.Arg877Trp; replaces arginine 877 with tryptophan.
Molecular consequence: missense variant.
Genome position (GRCh38, 1-based): chr19:41,969,494, G>A on the plus strand (C>T on the coding strand, the complement: ATP1A3 is on the minus strand). VCF-style: chr19-41969494-G-A. GRCh37 (hg19) VCF-style: chr19-42473646-G-A.
Other names: c.2662C>T, p.Arg888Trp (NM_001256213.2); c.2668C>T, p.Arg890Trp (NM_001256214.2); short protein forms R888W, R890W, R877W.
Identifiers: ClinVar variation 2201475 (VCV002201475.4), dbSNP rs1568853525, ClinGen allele CA406037929.

ClinVar aggregate classification (germline): Uncertain significance (1 of 4 stars; one submission).

Conditions:
Dystonia 12 (DYT12). Also called: Rapid-Onset Dystonia-Parkinsonism (RDP); DYT-ATP1A3. Identifiers: Orphanet 71517, MedGen C1868681, MONDO:0007496, OMIM 128235.

Allele frequency attached by ClinVar (database versions not stated): gnomAD exomes below 0.00001.
gnomAD v4.1: 2 of 1,614,152 alleles (0.00012%); highest among the groups gnomAD compares: East Asian, 0.0022%; no homozygotes.

Submission:

Labcorp Genetics (formerly Invitae), Labcorp
Classification: Uncertain significance for Dystonia 12. Last evaluated: 2022-06-11. Review status: criteria provided, single submitter. Criteria: Invitae Variant Classification Sherloc (09022015). Collection method: clinical testing. Allele origin: germline.
Comment: This sequence change replaces arginine, which is basic and polar, with tryptophan, which is neutral and slightly polar, at codon 877 of the ATP1A3 protein (p.Arg877Trp). This variant is not present in population databases (gnomAD no frequency). This variant has not been reported in the literature in individuals affected with ATP1A3-related conditions. Advanced modeling of protein sequence and biophysical properties (such as structural, functional, and spatial information, amino acid conservation, physicochemical variation, residue mobility, and thermodynamic stability) performed at Invitae indicates that this missense variant is expected to disrupt ATP1A3 protein function. In summary, the available evidence is currently insufficient to determine the role of this variant in disease. Therefore, it has been classified as a Variant of Uncertain Significance.